The following is an entry in ClinVar:

NM_002334.4(LRP4):c.3699+5G>C

Gene: LRP4 (LDL receptor related protein 4; minus strand). Cytogenetic location: 11p11.2.
Variant type: single nucleotide variant.
Coding change: c.3699+5G>C on transcript NM_002334.4 (MANE Select); 5 bases into the intron after coding-DNA position 3699, G replaced by C.
Molecular consequence: intron variant.
Genome position (GRCh38, 1-based): chr11:46,875,799, C>G on the plus strand (G>C on the coding strand, the complement: LRP4 is on the minus strand). VCF-style: chr11-46875799-C-G. GRCh37 (hg19) VCF-style: chr11-46897350-C-G.
Identifiers: ClinVar variation 304868 (VCV000304868.12), dbSNP rs745544336, ClinGen allele CA5969522.

ClinVar aggregate classification (germline): Uncertain significance. Review status: criteria provided, multiple submitters, no conflicts (2 of 4 stars). 4 submissions from 4 submitters: Uncertain significance (3). 1 of the submissions does not count toward it. Last evaluated 2024-05-15.

Conditions:
Cenani-Lenz syndactyly syndrome. Also called: CENANI SYNDACTYLISM; SYNDACTYLY, TYPE VII. Identifiers: Orphanet 3258, MedGen C1859309, MONDO:0008931, OMIM 212780.
LRP4-related disorder. Also called: LRP4-related condition.
Sclerosteosis 2 (SOST2). Identifiers: Orphanet 3152, MedGen C3280402, MONDO:0013679, OMIM 614305.
Congenital myasthenic syndrome 17. Identifiers: Orphanet 590, MedGen C4225377, MONDO:0014578, OMIM 616304.

Allele frequency attached by ClinVar (database versions not stated): TOPMed 0.00001; ExAC 0.00001; gnomAD 0.00001; gnomAD exomes 0.00001.
gnomAD v4.1: 13 of 1,613,968 alleles (0.00081%); highest among the groups gnomAD compares: Middle Eastern, 0.016%; no homozygotes.

Submissions (4):

Fulgent Genetics
Classification: Uncertain significance for Cenani-Lenz syndactyly syndrome; Sclerosteosis 2; Congenital myasthenic syndrome 17. Last evaluated: 2024-05-15. Review status: criteria provided, single submitter. Criteria: ACMG Guidelines, 2015. Collection method: clinical testing. Allele origin: germline.

Labcorp Genetics (formerly Invitae), Labcorp
Classification: Uncertain significance for Cenani-Lenz syndactyly syndrome; Sclerosteosis 2; Congenital myasthenic syndrome 17. Last evaluated: 2022-08-08. Review status: criteria provided, single submitter. Criteria: Invitae Variant Classification Sherloc (09022015). Collection method: clinical testing. Allele origin: germline.
Comment: This sequence change falls in intron 26 of the LRP4 gene. It does not directly change the encoded amino acid sequence of the LRP4 protein. It affects a nucleotide within the consensus splice site. This variant is present in population databases (rs745544336, gnomAD 0.0009%). This variant has not been reported in the literature in individuals affected with LRP4-related conditions. ClinVar contains an entry for this variant (Variation ID: 304868). Variants that disrupt the consensus splice site are a relatively common cause of aberrant splicing (PMID: 17576681, 9536098). Algorithms developed to predict the effect of sequence changes on RNA splicing suggest that this variant may disrupt the consensus splice site. In summary, the available evidence is currently insufficient to determine the role of this variant in disease. Therefore, it has been classified as a Variant of Uncertain Significance.

Illumina Laboratory Services, Illumina
Classification: Uncertain significance for Cenani-Lenz syndactyly syndrome. Last evaluated: 2018-01-13. Review status: criteria provided, single submitter. Criteria: ICSL Variant Classification Criteria 13 December 2019. Collection method: clinical testing. Allele origin: germline.

PreventionGenetics, part of Exact Sciences
Classification: Uncertain significance for LRP4-related condition. Last evaluated: 2024-08-23. Review status: no assertion criteria provided. Collection method: clinical testing. Allele origin: germline. Not counted in ClinVar's aggregate classification.
Comment: The LRP4 c.3699+5G>C variant is predicted to interfere with splicing. To our knowledge, this variant has not been reported in the literature. This variant is reported in 0.00088% of alleles in individuals of European (Non-Finnish) descent in gnomAD. At this time, the clinical significance of this variant is uncertain due to the absence of conclusive functional and genetic evidence.

Literature cited by the submitters: PubMed 17576681 (cited by Labcorp Genetics (formerly Invitae), Labcorp); PubMed 9536098 (cited by Labcorp Genetics (formerly Invitae), Labcorp).